The following is an entry in ClinVar:

NM_002180.3(IGHMBP2):c.2224A>G (p.Met742Val)

Gene: IGHMBP2 (immunoglobulin mu DNA binding protein 2; plus strand). Cytogenetic location: 11q13.3.
Variant type: single nucleotide variant.
Coding change: c.2224A>G on transcript NM_002180.3 (MANE Select); coding-DNA position 2224, A replaced by G.
Protein change: p.Met742Val; replaces methionine 742 with valine.
Molecular consequence: missense variant.
Genome position (GRCh38, 1-based): chr11:68,936,704, A>G. VCF-style: chr11-68936704-A-G. GRCh37 (hg19) VCF-style: chr11-68704172-A-G.
Other names: short protein forms M742V.
Identifiers: ClinVar variation 305851 (VCV000305851.17), dbSNP rs754473710, ClinGen allele CA6153862.

ClinVar aggregate classification (germline): Conflicting classifications of pathogenicity. Review status: criteria provided, conflicting classifications (1 of 4 stars). 5 submissions from 5 submitters: Uncertain significance (4); Likely benign (1). Last evaluated 2026-02-13.

Conditions:
Autosomal recessive distal spinal muscular atrophy 1. Also called: HMN VI; NEURONOPATHY, SEVERE INFANTILE AXONAL, WITH RESPIRATORY FAILURE; SEVERE INFANTILE AXONAL NEUROPATHY WITH RESPIRATORY FAILURE; SPINAL MUSCULAR ATROPHY, DIAPHRAGMATIC; NEUROPATHY, DISTAL HEREDITARY MOTOR, AUTOSOMAL RECESSIVE 1; Spinal muscular atrophy with respiratory distress 1. Identifiers: Orphanet 98920, MedGen C1858517, MONDO:0011436, OMIM 604320.
Charcot-Marie-Tooth disease axonal type 2S. Also called: CHARCOT-MARIE-TOOTH DISEASE, AXONAL, AUTOSOMAL RECESSIVE, TYPE 2S; CHARCOT-MARIE-TOOTH NEUROPATHY, TYPE 2S. Identifiers: Orphanet 443073, MedGen C4015349, MONDO:0014511, OMIM 616155.
Inborn genetic diseases. Identifiers: MedGen C0950123, MeSH D030342.

Allele frequency attached by ClinVar (database versions not stated): gnomAD 0.00002; TOPMed 0.00003; gnomAD exomes 0.00006; ExAC 0.00011.

Submissions (5):

GeneDx
Classification: Uncertain significance. Last evaluated: 2026-02-13. Review status: criteria provided, single submitter. Criteria: GeneDx Variant Classification Process June 2021. Collection method: clinical testing. Allele origin: germline.
Comment: Not observed at significant frequency in large population cohorts (gnomAD); In silico analysis suggests that this missense variant does not alter protein structure/function; Has not been previously published as pathogenic or benign to our knowledge

Labcorp Genetics (formerly Invitae), Labcorp
Classification: Likely benign for Autosomal recessive distal spinal muscular atrophy 1; Charcot-Marie-Tooth disease axonal type 2S. Last evaluated: 2025-07-31. Review status: criteria provided, single submitter. Criteria: Invitae Variant Classification Sherloc (09022015). Collection method: clinical testing. Allele origin: germline.

Ambry Genetics
Classification: Uncertain significance for Inborn genetic diseases. Last evaluated: 2019-11-07. Review status: criteria provided, single submitter. Criteria: Ambry Variant Classification Scheme 2023. Collection method: clinical testing. Allele origin: germline.
Comment: The p.M742V variant (also known as c.2224A>G), located in coding exon 13 of the IGHMBP2 gene, results from an A to G substitution at nucleotide position 2224. The methionine at codon 742 is replaced by valine, an amino acid with highly similar properties. This amino acid position is poorly conserved in available vertebrate species. In addition, this alteration is predicted to be tolerated by in silico analysis. Since supporting evidence is limited at this time, the clinical significance of this alteration remains unclear.

Revvity Omics, Revvity
Classification: Uncertain significance. Last evaluated: 2019-05-09. Review status: criteria provided, single submitter. Criteria: ACMG Guidelines, 2015. Collection method: clinical testing. Allele origin: germline.

Illumina Laboratory Services, Illumina
Classification: Uncertain significance for Autosomal recessive distal spinal muscular atrophy 1. Last evaluated: 2018-01-12. Review status: criteria provided, single submitter. Criteria: ICSL Variant Classification Criteria 13 December 2019. Collection method: clinical testing. Allele origin: germline.